The following is an entry in ClinVar:

ClinVar aggregate classification (germline): Uncertain significance (1 of 4 stars; one submission).

Conditions:
Hereditary cancer-predisposing syndrome. Also called: Neoplastic Syndromes, Hereditary; Tumor predisposition; Hereditary Cancer Syndrome; Hereditary neoplastic syndrome. Identifiers: Orphanet 140162, MedGen C0027672, MeSH D009386, MONDO:0015356.

Submission:

Ambry Genetics
Classification: Uncertain significance for Hereditary cancer-predisposing syndrome. Last evaluated: 2026-03-18. Review status: criteria provided, single submitter. Criteria: Ambry Variant Classification Scheme 2023. Collection method: clinical testing. Allele origin: germline.
Comment: The c.3402_3403delGCinsAT variant, located in coding exon 20 of the PTCH1 gene, results from an in-frame deletion of GC and insertion of AT at nucleotide positions 3402 to 3403. This substitution does not change the leucine at codon 1135. This amino acid position is highly conserved in available vertebrate species. Based on the available evidence, the clinical significance of this variant remains unclear.

NM_000264.5(PTCH1):c.3402_3403delinsAT (p.Leu1134_Leu1135=)

Gene: PTCH1 (patched 1; minus strand). Cytogenetic location: 9q22.32.
Variant type: Indel.
Coding change: c.3402_3403delinsAT on transcript NM_000264.5 (MANE Select); coding-DNA positions 3402 to 3403, GC replaced by AT.
Protein change: p.Leu1134_Leu1135=.
Molecular consequence: synonymous variant. On other transcripts: non-coding transcript variant (1).
Genome position (GRCh38, 1-based): chr9:95,453,524-95,453,525, GC replaced by AT on the plus strand (GC replaced by AT on the coding strand, the reverse complement: PTCH1 is on the minus strand). VCF-style: chr9-95453524-GC-AT. GRCh37 (hg19) VCF-style: chr9-98215806-GC-AT.
Other names: c.3204_3205delinsAT, p.Leu1068_Leu1069= (NM_001083602.3); c.3399_3400delinsAT, p.Leu1133_Leu1134= (NM_001083603.3); c.2949_2950delinsAT, p.Leu983_Leu984= (NM_001083604.3, NM_001083605.3, NM_001083606.3 and 1 more transcripts); c.3246_3247delinsAT, p.Leu1082_Leu1083= (NM_001354918.2).
Identifiers: ClinVar variation 4862636 (VCV004862636.1).